The following is an entry in ClinVar:

ClinVar aggregate classification (germline): Uncertain significance (1 of 4 stars; one submission).

Submission:

Labcorp Genetics (formerly Invitae), Labcorp
Classification: Uncertain significance. Last evaluated: 2025-04-26. Review status: criteria provided, single submitter. Criteria: Invitae Variant Classification Sherloc (09022015). Collection method: clinical testing. Allele origin: germline.
Comment: This sequence change replaces tyrosine, which is neutral and polar, with aspartic acid, which is acidic and polar, at codon 1732 of the ALPK3 protein (p.Tyr1732Asp). This variant is not present in population databases (gnomAD no frequency). This variant has not been reported in the literature in individuals affected with ALPK3-related conditions. Invitae Evidence Modeling of protein sequence and biophysical properties (such as structural, functional, and spatial information, amino acid conservation, physicochemical variation, residue mobility, and thermodynamic stability) indicates that this missense variant is expected to disrupt ALPK3 protein function with a positive predictive value of 80%. In summary, the available evidence is currently insufficient to determine the role of this variant in disease. Therefore, it has been classified as a Variant of Uncertain Significance.

NM_020778.5(ALPK3):c.4588T>G (p.Tyr1530Asp)

Gene: ALPK3 (alpha kinase 3; plus strand). Cytogenetic location: 15q25.3.
Variant type: single nucleotide variant.
Coding change: c.4588T>G on transcript NM_020778.5 (MANE Select); coding-DNA position 4588, T replaced by G.
Protein change: p.Tyr1530Asp; replaces tyrosine 1530 with aspartic acid.
Molecular consequence: missense variant.
Genome position (GRCh38, 1-based): chr15:84,864,530, T>G. VCF-style: chr15-84864530-T-G. GRCh37 (hg19) VCF-style: chr15-85407761-T-G.
Other names: short protein forms Y1530D.
Identifiers: ClinVar variation 4743781 (VCV004743781.1).
Genomic context (GRCh38, chr15:84,864,530, plus strand): 5'-CCTGCAAACAATATCCCATATGCTACCCTGGAGGAAGACCTGGGCAAGCCCCTGGAGTCT[T>G]ACTGTTCTCGGGAATGGGGCTGTGCTGAGGCTCCGACAGCATCTGGCAGCTCTGAGGCCA-3'
Protein context (NP_065829.4, residues 1520-1540): EEDLGKPLES[Tyr1530Asp]CSREWGCAEA